The following is an entry in ClinVar:

NM_003072.5(SMARCA4):c.1930G>A (p.Glu644Lys)

Gene: SMARCA4 (SWI/SNF related BAF chromatin remodeling complex subunit ATPase 4; plus strand). Cytogenetic location: 19p13.2.
Variant type: single nucleotide variant.
Coding change: c.1930G>A on transcript NM_003072.5 (MANE Select); coding-DNA position 1930, G replaced by A.
Protein change: p.Glu644Lys; replaces glutamic acid 644 with lysine.
Molecular consequence: missense variant. On other transcripts: non-coding transcript variant (1).
Genome position (GRCh38, 1-based): chr19:11,003,146, G>A. VCF-style: chr19-11003146-G-A. GRCh37 (hg19) VCF-style: chr19-11113822-G-A.
Other names: c.1930G>A, p.Glu644Lys (NM_001128844.3, NM_001128845.2, NM_001128846.2 and 6 more transcripts); short protein forms E644K.
Identifiers: ClinVar variation 1676507 (VCV001676507.3), dbSNP rs2146099035, ClinGen allele CA404051697.

ClinVar aggregate classification (germline): Uncertain significance (1 of 4 stars; one submission).

Submission:

Greenwood Genetic Center Diagnostic Laboratories, Greenwood Genetic Center
Classification: Uncertain significance. Last evaluated: 2022-03-30. Review status: criteria provided, single submitter. Criteria: ACMG Guidelines, 2015. Collection method: clinical testing. Allele origin: germline. Affected: yes.
Comment: PM2, PP2